The following is an entry in ClinVar:

ClinVar aggregate classification (germline): Uncertain significance (1 of 4 stars; one submission).

Submission:

GeneDx
Classification: Uncertain significance. Last evaluated: 2022-07-12. Review status: criteria provided, single submitter. Criteria: GeneDx Variant Classification Process June 2021. Collection method: clinical testing. Allele origin: germline. Affected: yes.
Comment: Not observed at significant frequency in large population cohorts (gnomAD); In silico analysis supports that this missense variant has a deleterious effect on protein structure/function; Has not been previously published as pathogenic or benign to our knowledge

NM_014363.6(SACS):c.4139C>G (p.Pro1380Arg)

Gene: SACS (sacsin molecular chaperone; minus strand). Cytogenetic location: 13q12.12.
Variant type: single nucleotide variant.
Coding change: c.4139C>G on transcript NM_014363.6 (MANE Select); coding-DNA position 4139, C replaced by G.
Protein change: p.Pro1380Arg; replaces proline 1380 with arginine.
Molecular consequence: missense variant.
Genome position (GRCh38, 1-based): chr13:23,339,737, G>C on the plus strand (C>G on the coding strand, the complement: SACS is on the minus strand). VCF-style: chr13-23339737-G-C. GRCh37 (hg19) VCF-style: chr13-23913876-G-C.
Other names: c.3698C>G, p.Pro1233Arg (NM_001278055.2); short protein forms P1233R, P1380R.
Identifiers: ClinVar variation 1878731 (VCV001878731.1), dbSNP rs2542285349, ClinGen allele CA387532352.